The following is an entry in ClinVar:

ClinVar aggregate classification (germline): Likely pathogenic (1 of 4 stars; one submission).

Allele frequency attached by ClinVar (database versions not stated): TOPMed below 0.00001.
gnomAD v4.1: 3 of 1,614,200 alleles (0.00019%); highest among the groups gnomAD compares: Non-Finnish European, 0.00017%; no homozygotes.

Submission:

Labcorp Genetics (formerly Invitae), Labcorp
Classification: Likely pathogenic. Last evaluated: 2023-09-01. Review status: criteria provided, single submitter. Criteria: Invitae Variant Classification Sherloc (09022015). Collection method: clinical testing. Allele origin: germline.
Comment: This sequence change affects a donor splice site in intron 9 of the TG gene. It is expected to disrupt RNA splicing. Variants that disrupt the donor or acceptor splice site typically lead to a loss of protein function (PMID: 16199547), and loss-of-function variants in TG are known to be pathogenic (PMID: 19837936, 23164529). In summary, the currently available evidence indicates that the variant is pathogenic, but additional data are needed to prove that conclusively. Therefore, this variant has been classified as Likely Pathogenic. Algorithms developed to predict the effect of sequence changes on RNA splicing suggest that this variant may disrupt the consensus splice site. Disruption of this splice site has been observed in individual(s) with thyroid dyshormonogenesis (PMID: 29546359). This variant is present in population databases (no rsID available, gnomAD 0.0009%).

Literature cited by the submitters: PubMed 16199547; PubMed 19837936; PubMed 23164529; PubMed 29546359.

NM_003235.5(TG):c.2176+1G>C

Gene: TG (thyroglobulin; plus strand). Cytogenetic location: 8q24.22.
Variant type: single nucleotide variant.
Coding change: c.2176+1G>C on transcript NM_003235.5 (MANE Select); the canonical splice donor site of the intron after coding-DNA position 2176, G replaced by C.
Molecular consequence: splice donor variant.
Genome position (GRCh38, 1-based): chr8:132,887,549, G>C. VCF-style: chr8-132887549-G-C. GRCh37 (hg19) VCF-style: chr8-133899794-G-C.
Identifiers: ClinVar variation 2797899 (VCV002797899.3), dbSNP rs1483148769, ClinGen allele CA372233853.
Genomic context (GRCh38, chr8:132,887,549, plus strand): 5'-TTGATGCTGAGGGTCAGGCCATTCCTGGAACTCGAAGTGCAATAGGGAAGCCCAAGAAAT[G>C]TAAGTCTGTTGGGTATTCAATCTGTAGGTTCCCTGAGTCTCTCTTTAGGCCCTGACCCAA-3'